The following is an entry in ClinVar:

NM_001005242.3(PKP2):c.10C>T (p.Pro4Ser)

Gene: PKP2 (plakophilin 2; minus strand). Cytogenetic location: 12p11.21.
Variant type: single nucleotide variant.
Coding change: c.10C>T on transcript NM_001005242.3 (MANE Select); coding-DNA position 10, C replaced by T.
Protein change: p.Pro4Ser; replaces proline 4 with serine.
Molecular consequence: missense variant.
Genome position (GRCh38, 1-based): chr12:32,896,722, G>A on the plus strand (C>T on the coding strand, the complement: PKP2 is on the minus strand). VCF-style: chr12-32896722-G-A. GRCh37 (hg19) VCF-style: chr12-33049656-G-A.
Other names: c.10C>T, p.Pro4Ser (NM_004572.4); short protein forms P4S.
Identifiers: ClinVar variation 1331927 (VCV001331927.4), dbSNP rs1425675043, ClinGen allele CA384371814.

ClinVar aggregate classification (germline): Uncertain significance. Review status: criteria provided, multiple submitters, no conflicts (2 of 4 stars). 2 submissions from 2 submitters: Uncertain significance (2). Last evaluated 2024-08-29.

Conditions:
Arrhythmogenic right ventricular cardiomyopathy (ARVD). Also called: Cardiomyopathy, ARVC; Arrhythmogenic right ventricular dysplasia; Arrhythmogenic Right Ventricular Cardiomyopathy (ARVC); Arrhythmogenic cardiomyopathy. Identifiers: Orphanet 247, MedGen C0349788, MeSH D019571, MONDO:0016587. Disease mechanism: loss of function. Inheritance: Various modes of inheritance.
Cardiomyopathy (CMYO). Also called: Cardiomyopathies. Identifiers: Orphanet 167848, MedGen C0878544, MONDO:0004994, HP:0001638. Inheritance: Various modes of inheritance.

Allele frequency attached by ClinVar (database versions not stated): TOPMed below 0.00001; gnomAD 0.00001.
gnomAD v4.1: 1 of 1,461,358 alleles (0.000068%); highest among the groups gnomAD compares: Non-Finnish European, 0.00009%; no homozygotes.

Submissions (2):

All of Us Research Program, National Institutes of Health
Classification: Uncertain significance for Arrhythmogenic right ventricular cardiomyopathy. Last evaluated: 2024-08-29. Review status: criteria provided, single submitter. Criteria: ACMG Guidelines, 2015. Collection method: clinical testing. Allele origin: germline. Inheritance: Autosomal dominant inheritance. Observed: 1 variant allele, 1 heterozygote.
Comment: This missense variant replaces proline with serine at codon 4 of the PKP2 protein. Computational prediction suggests that this variant may not impact protein structure and function (internally defined REVEL score threshold <= 0.5, PMID: 27666373). To our knowledge, functional studies have not been reported for this variant. This variant has not been reported in individuals affected with cardiovascular disorders in the literature. This variant has not been identified in the general population by the Genome Aggregation Database (gnomAD). The available evidence is insufficient to determine the role of this variant in disease conclusively. Therefore, this variant is classified as a Variant of Uncertain Significance.

This study involves interpretation of variants in research participants for the purpose of population health screening. Participant phenotype was not available at the time of variant classification. Additional details can be found in publication PMID: 35346344, PMCID: PMC8962531

Color Diagnostics, LLC DBA Color Health
Classification: Uncertain significance for Cardiomyopathy. Last evaluated: 2024-03-06. Review status: criteria provided, single submitter. Criteria: ACMG Guidelines, 2015. Collection method: clinical testing. Allele origin: germline.
Comment: This missense variant replaces proline with serine at codon 4 of the PKP2 protein. Computational prediction suggests that this variant may not impact protein structure and function (internally defined REVEL score threshold <= 0.5, PMID: 27666373). To our knowledge, functional studies have not been reported for this variant. This variant has not been reported in individuals affected with cardiovascular disorders in the literature. This variant has not been identified in the general population by the Genome Aggregation Database (gnomAD). The available evidence is insufficient to determine the role of this variant in disease conclusively. Therefore, this variant is classified as a Variant of Uncertain Significance.